The following is an entry in ClinVar:

ClinVar aggregate classification (germline): Likely benign. Review status: criteria provided, multiple submitters, no conflicts (2 of 4 stars). 2 submissions from 2 submitters: Likely benign (2). Last evaluated 2025-08-25.

Conditions:
DST-related disorder. Also called: DST-related condition; DST-related disorders.
Epidermolysis bullosa simplex 3, localized or generalized intermediate, with BP230 deficiency (EBS3). Also called: Epidermolysis bullosa simplex, autosomal recessive 2; Epidermolysis bullosa simplex due to BP230 deficiency. Identifiers: Orphanet 412181, MedGen C3809470, MONDO:0014180, OMIM 615425.
Hereditary sensory and autonomic neuropathy type 6. Also called: Neuropathy, hereditary sensory and autonomic, type VI; HSAN VI. Identifiers: Orphanet 314381, MedGen C3539003, MONDO:0013839, OMIM 614653.

Allele frequency attached by ClinVar (database versions not stated): gnomAD exomes 0.00004; ExAC 0.00007; TOPMed 0.00026; gnomAD 0.00027 and 0.00029; ESP Exome Variant Server 0.00033; 1000 Genomes Project 0.00040; 1000 Genomes Project 30x 0.00062.
gnomAD v4.1: 65 of 1,613,704 alleles (0.004%); highest among the groups gnomAD compares: African/African-American, 0.075%; no homozygotes.

Submissions (2):

PreventionGenetics, part of Exact Sciences
Classification: Likely benign for DST-related condition. Last evaluated: 2025-08-25. Review status: criteria provided, single submitter. Criteria: ACMG Guidelines, 2015. Collection method: clinical testing. Allele origin: germline.
Comment: This variant is classified as likely benign based on ACMG/AMP sequence variant interpretation guidelines (Richards et al. 2015 PMID: 25741868, with internal and published modifications).

Labcorp Genetics (formerly Invitae), Labcorp
Classification: Likely benign for Epidermolysis bullosa simplex 3, localized or generalized intermediate, with BP230 deficiency; Hereditary sensory and autonomic neuropathy type 6. Last evaluated: 2024-11-07. Review status: criteria provided, single submitter. Criteria: Invitae Variant Classification Sherloc (09022015). Collection method: clinical testing. Allele origin: germline.

NM_001374736.1(DST):c.18849C>G (p.Pro6283=)

Gene: DST (dystonin; minus strand). Cytogenetic location: 6p12.1.
Variant type: single nucleotide variant.
Coding change: c.18849C>G on transcript NM_001374736.1 (MANE Select); coding-DNA position 18849, C replaced by G.
Protein change: p.Pro6283=; no amino-acid change (proline 6283 retained).
Molecular consequence: synonymous variant.
Genome position (GRCh38, 1-based): chr6:56,509,805, G>C on the plus strand (C>G on the coding strand, the complement: DST is on the minus strand). VCF-style: chr6-56509805-G-C. GRCh37 (hg19) VCF-style: chr6-56374603-G-C.
Other names: c.12492C>G (NM_001144769.2); c.12492C>G, p.Pro4164= (NM_001144769.5); c.12078C>G, p.Pro4026= (NM_001144770.2); c.18849C>G, p.Pro6283= (NM_001374722.1); c.17889C>G, p.Pro5963= (NM_001374729.1); c.11631C>G, p.Pro3877= (NM_001374730.1); c.18876C>G, p.Pro6292= (NM_001374734.1); c.11958C>G, p.Pro3986= (NM_001386100.1, NM_183380.4); and 1 more.
Identifiers: ClinVar variation 1144403 (VCV001144403.10), dbSNP rs370495323, ClinGen allele CA3867130.